The following is an entry in ClinVar:

ClinVar aggregate classification (germline): Uncertain significance (1 of 4 stars; one submission).

Conditions:
Inborn genetic diseases. Identifiers: MedGen C0950123, MeSH D030342.

Submission:

Ambry Genetics
Classification: Uncertain significance for Inborn genetic diseases. Last evaluated: 2021-12-10. Review status: criteria provided, single submitter. Criteria: Ambry Variant Classification Scheme 2023. Collection method: clinical testing. Allele origin: germline.
Comment: The p.L1369V variant (also known as c.4105T>G), located in coding exon 22 of the ATR gene, results from a T to G substitution at nucleotide position 4105. The leucine at codon 1369 is replaced by valine, an amino acid with highly similar properties. This amino acid position is conserved. In addition, the in silico prediction for this alteration is inconclusive. Since supporting evidence is limited at this time, the clinical significance of this alteration remains unclear.

NM_001184.4(ATR):c.4105T>G (p.Leu1369Val)

Gene: ATR (ATR checkpoint kinase; minus strand). Cytogenetic location: 3q23.
Variant type: single nucleotide variant.
Coding change: c.4105T>G on transcript NM_001184.4 (MANE Select); coding-DNA position 4105, T replaced by G.
Protein change: p.Leu1369Val; replaces leucine 1369 with valine.
Molecular consequence: missense variant.
Genome position (GRCh38, 1-based): chr3:142,524,040, A>C on the plus strand (T>G on the coding strand, the complement: ATR is on the minus strand). VCF-style: chr3-142524040-A-C. GRCh37 (hg19) VCF-style: chr3-142242882-A-C.
Other names: c.3913T>G, p.Leu1305Val (NM_001354579.2); short protein forms L1305V, L1369V.
Identifiers: ClinVar variation 1737882 (VCV001737882.2), dbSNP rs1421997302, ClinGen allele CA354802258.
Genomic context (GRCh38, chr3:142,524,040, plus strand): 5'-TTCCACTACTTACCACAAATGTAAAATCTTTTCCTTGAGTTTCAGTTGTTGAGAAATCTA[A>C]TCGACCTGGATCTATCGCCCCCAATTCCCCTAAACATTCCCCACAGAGCAACCGAGCTTG-3'
Protein context (NP_001175.2, residues 1359-1379): GELGAIDPGR[Leu1369Val]DFSTTETQGK